The following is an entry in ClinVar:

NM_017433.5(MYO3A):c.1803C>T (p.Leu601=)

Gene: MYO3A (myosin IIIA; plus strand). Cytogenetic location: 10p12.1.
Variant type: single nucleotide variant.
Coding change: c.1803C>T on transcript NM_017433.5 (MANE Select); coding-DNA position 1803, C replaced by T.
Protein change: p.Leu601=; no amino-acid change (leucine 601 retained).
Molecular consequence: synonymous variant.
Genome position (GRCh38, 1-based): chr10:26,120,702, C>T. VCF-style: chr10-26120702-C-T. GRCh37 (hg19) VCF-style: chr10-26409631-C-T.
Identifiers: ClinVar variation 1701132 (VCV001701132.31), dbSNP rs201584106, ClinGen allele CA5444783.

ClinVar aggregate classification (germline): Likely benign (1 of 4 stars; one submission).

Allele frequency attached by ClinVar (database versions not stated): ExAC 0.00003; TOPMed 0.00003; gnomAD 0.00001.
gnomAD v4.1: 65 of 1,613,892 alleles (0.004%); highest among the groups gnomAD compares: East Asian, 0.04%; no homozygotes.

Submission:

CeGaT Center for Human Genetics Tuebingen
Classification: Likely benign. Last evaluated: 2022-07-01. Review status: criteria provided, single submitter. Criteria: CeGaT Center For Human Genetics Tuebingen Variant Classification Criteria Version 2. Collection method: clinical testing. Allele origin: germline. Affected: yes. Observed: 1 variant allele.
Comment: MYO3A: BP4, BP7